The following is an entry in ClinVar:

ClinVar aggregate classification (germline): Likely benign. Review status: criteria provided, multiple submitters, no conflicts (2 of 4 stars). 3 submissions from 3 submitters: Likely benign (2). 1 of the submissions does not count toward it. Last evaluated 2021-01-29.

Conditions:
Cardiovascular phenotype. Identifiers: MedGen CN230736.
AKAP9-related disorder. Also called: AKAP9-related condition.

Allele frequency attached by ClinVar (database versions not stated): gnomAD 0.00001; TOPMed 0.00001; gnomAD exomes 0.00002 and 0.00003; ExAC 0.00006.
gnomAD v4.1: 10 of 1,610,394 alleles (0.00062%); highest among the groups gnomAD compares: Middle Eastern, 0.033%; no homozygotes.

Submissions (3):

Ambry Genetics
Classification: Likely benign for Cardiovascular phenotype. Last evaluated: 2021-01-29. Review status: criteria provided, single submitter. Criteria: Ambry Variant Classification Scheme 2023. Collection method: clinical testing. Allele origin: germline.

Labcorp Genetics (formerly Invitae), Labcorp
Classification: Likely benign. Last evaluated: 2018-11-15. Review status: criteria provided, single submitter. Criteria: Invitae Variant Classification Sherloc (09022015). Collection method: clinical testing. Allele origin: germline.

PreventionGenetics, part of Exact Sciences
Classification: Likely benign for AKAP9-related condition. Last evaluated: 2019-04-30. Review status: no assertion criteria provided. Collection method: clinical testing. Allele origin: germline. Not counted in ClinVar's aggregate classification.
Comment: This variant is classified as likely benign based on ACMG/AMP sequence variant interpretation guidelines (Richards et al. 2015 PMID: 25741868, with internal and published modifications).

NM_005751.5(AKAP9):c.2559T>C (p.Ala853=)

Gene: AKAP9 (A-kinase anchoring protein 9; plus strand). Cytogenetic location: 7q21.2.
Variant type: single nucleotide variant.
Coding change: c.2559T>C on transcript NM_005751.5 (MANE Select); coding-DNA position 2559, T replaced by C.
Protein change: p.Ala853=; no amino-acid change (alanine 853 retained).
Molecular consequence: synonymous variant.
Genome position (GRCh38, 1-based): chr7:92,002,476, T>C. VCF-style: chr7-92002476-T-C. GRCh37 (hg19) VCF-style: chr7-91631790-T-C.
Other names: c.2559T>C, p.Ala853= (NM_147185.3).
Identifiers: ClinVar variation 702859 (VCV000702859.7), dbSNP rs762012353, ClinGen allele CA4336157.